The following is an entry in ClinVar:

ClinVar aggregate classification (germline): Uncertain significance (1 of 4 stars; one submission).

Allele frequency attached by ClinVar (database versions not stated): gnomAD exomes below 0.00001; gnomAD 0.00001; TOPMed 0.00001.
gnomAD v4.1: 3 of 1,613,430 alleles (0.00019%); highest among the groups gnomAD compares: East Asian, 0.0022%; no homozygotes.

Submission:

Labcorp Genetics (formerly Invitae), Labcorp
Classification: Uncertain significance. Last evaluated: 2022-08-10. Review status: criteria provided, single submitter. Criteria: Invitae Variant Classification Sherloc (09022015). Collection method: clinical testing. Allele origin: germline.
Comment: This variant has not been reported in the literature in individuals affected with FGF12-related conditions. This sequence change replaces arginine, which is basic and polar, with cysteine, which is neutral and slightly polar, at codon 165 of the FGF12 protein (p.Arg165Cys). This variant is not present in population databases (gnomAD no frequency). ClinVar contains an entry for this variant (Variation ID: 1438786). Algorithms developed to predict the effect of missense changes on protein structure and function are either unavailable or do not agree on the potential impact of this missense change (SIFT: "Deleterious"; PolyPhen-2: "Probably Damaging"; Align-GVGD: "Class C0"). In summary, the available evidence is currently insufficient to determine the role of this variant in disease. Therefore, it has been classified as a Variant of Uncertain Significance.

NM_004113.6(FGF12):c.307C>T (p.Arg103Cys)

Gene: FGF12 (fibroblast growth factor 12; minus strand). Cytogenetic location: 3q28.
Variant type: single nucleotide variant.
Coding change: c.307C>T on transcript NM_004113.6 (MANE Select); coding-DNA position 307, C replaced by T.
Protein change: p.Arg103Cys; replaces arginine 103 with cysteine.
Molecular consequence: missense variant.
Genome position (GRCh38, 1-based): chr3:192,170,578, G>A on the plus strand (C>T on the coding strand, the complement: FGF12 is on the minus strand). VCF-style: chr3-192170578-G-A. GRCh37 (hg19) VCF-style: chr3-191888367-G-A.
Other names: c.196C>T, p.Arg66Cys (NM_001377292.1); c.235C>T, p.Arg79Cys (NM_001377293.1, NM_001377294.1); c.493C>T, p.Arg165Cys (NM_021032.5); short protein forms R103C, R79C, R165C, R66C.
Identifiers: ClinVar variation 1438786 (VCV001438786.7), dbSNP rs888792094, ClinGen allele CA90387576.
Genomic context (GRCh38, chr3:192,170,578, plus strand): 5'-TCATAATTTGACCTTCTTTATTGAGTCCCAGAAACCAAGCTCGGCCTGATTCTTGCTGGC[G>A]GTACAGTGTGGAAGAATAGATCACATAGTAGTTTTCAAACACAGATTCCTTGAATTTGCA-3'
Protein context (NP_004104.3, residues 93-113): YYVIYSSTLY[Arg103Cys]QQESGRAWFL